The following is an entry in ClinVar:

NM_001384140.1(PCDH15):c.2413T>G (p.Leu805Val)

Gene: PCDH15 (protocadherin related 15; minus strand). Cytogenetic location: 10q21.1.
Variant type: single nucleotide variant.
Coding change: c.2413T>G on transcript NM_001384140.1 (MANE Select); coding-DNA position 2413, T replaced by G.
Protein change: p.Leu805Val; replaces leucine 805 with valine.
Molecular consequence: missense variant.
Genome position (GRCh38, 1-based): chr10:54,023,005, A>C on the plus strand (T>G on the coding strand, the complement: PCDH15 is on the minus strand). VCF-style: chr10-54023005-A-C. GRCh37 (hg19) VCF-style: chr10-55782765-A-C.
Other names: c.2428T>G, p.Leu810Val (NM_001142763.2, NM_001142771.2); c.2413T>G, p.Leu805Val (NM_001142764.2, NM_001142766.2, NM_001142770.3 and 5 more transcripts); c.2200T>G, p.Leu734Val (NM_001142765.2); c.2302T>G, p.Leu768Val (NM_001142767.2); c.2347T>G, p.Leu783Val (NM_001142768.2, NM_001142773.2, NM_001354404.2); c.2449T>G, p.Leu817Val (NM_001142769.4); c.2434T>G, p.Leu812Val (NM_001354411.2); short protein forms L734V, L805V, L810V, L812V, L817V, L768V, L783V.
Identifiers: ClinVar variation 1904622 (VCV001904622.3), dbSNP rs1422187516, ClinGen allele CA376523368.
Genomic context (GRCh38, chr10:54,023,005, plus strand): 5'-TGTATGTTGAATTGGTGAACACAGGACTGTTATCATCAATGTCCAAAACCTTGATGGCCA[A>C]GGTTAGAGTTGAATGACGAGGGTGTACTGCTCCATCTGTTGCCACAACAACAAGTTCATA-3'
Protein context (NP_001371069.1, residues 795-815): AVHPRHSTLT[Leu805Val]AIKVLDIDDN

ClinVar aggregate classification (germline): Uncertain significance (1 of 4 stars; one submission).

Allele frequency attached by ClinVar (database versions not stated): gnomAD 0.00001; gnomAD exomes 0.00001; TOPMed 0.00001.
gnomAD v4.1: 19 of 1,613,880 alleles (0.0012%); highest among the groups gnomAD compares: Non-Finnish European, 0.0016%; no homozygotes.

Submission:

Labcorp Genetics (formerly Invitae), Labcorp
Classification: Uncertain significance. Last evaluated: 2025-08-21. Review status: criteria provided, single submitter. Criteria: Invitae Variant Classification Sherloc (09022015). Collection method: clinical testing. Allele origin: germline.
Comment: This sequence change replaces leucine, which is neutral and non-polar, with valine, which is neutral and non-polar, at codon 805 of the PCDH15 protein (p.Leu805Val). This variant is not present in population databases (gnomAD no frequency). This variant has not been reported in the literature in individuals affected with PCDH15-related conditions. ClinVar contains an entry for this variant (Variation ID: 1904622). Invitae Evidence Modeling of protein sequence and biophysical properties (such as structural, functional, and spatial information, amino acid conservation, physicochemical variation, residue mobility, and thermodynamic stability) indicates that this missense variant is not expected to disrupt PCDH15 protein function with a negative predictive value of 95%. In summary, the available evidence is currently insufficient to determine the role of this variant in disease. Therefore, it has been classified as a Variant of Uncertain Significance.